The following is an entry in ClinVar:

ClinVar aggregate classification (germline): Likely benign. Review status: criteria provided, multiple submitters, no conflicts (2 of 4 stars). 4 submissions from 4 submitters: Likely benign (3). 1 of the submissions does not count toward it. Last evaluated 2025-12-02.

Conditions:
SAMD11-related disorder. Also called: SAMD11-related condition.

Allele frequency attached by ClinVar (database versions not stated): gnomAD exomes 0.00012 and 0.00026; ExAC 0.00064; 1000 Genomes Project 30x 0.00078; 1000 Genomes Project 0.00080; TOPMed 0.00096; ESP Exome Variant Server 0.00146.

Submissions (4):

Labcorp Genetics (formerly Invitae), Labcorp
Classification: Likely benign. Last evaluated: 2025-12-02. Review status: criteria provided, single submitter. Criteria: Invitae Variant Classification Sherloc (09022015). Collection method: clinical testing. Allele origin: germline.

Ambry Genetics
Classification: Likely benign. Last evaluated: 2025-11-26. Review status: criteria provided, single submitter. Criteria: Ambry Variant Classification Scheme 2023. Collection method: clinical testing. Allele origin: germline.

Blueprint Genetics
Classification: Likely benign. Last evaluated: 2024-08-06. Review status: criteria provided, single submitter. Criteria: ACMG Guidelines, 2015. Collection method: clinical testing. Allele origin: germline.

PreventionGenetics, part of Exact Sciences
Classification: Likely benign for SAMD11-related condition. Last evaluated: 2023-07-30. Review status: no assertion criteria provided. Collection method: clinical testing. Allele origin: germline. Not counted in ClinVar's aggregate classification.
Comment: This variant is classified as likely benign based on ACMG/AMP sequence variant interpretation guidelines (Richards et al. 2015 PMID: 25741868, with internal and published modifications).

NM_001385641.1(SAMD11):c.737G>A (p.Arg246Gln)

Gene: SAMD11 (sterile alpha motif domain containing 11; plus strand). Cytogenetic location: 1p36.33.
Variant type: single nucleotide variant.
Coding change: c.737G>A on transcript NM_001385641.1 (MANE Select); coding-DNA position 737, G replaced by A.
Protein change: p.Arg246Gln; replaces arginine 246 with glutamine.
Molecular consequence: missense variant.
Genome position (GRCh38, 1-based): chr1:930,282, G>A. VCF-style: chr1-930282-G-A. GRCh37 (hg19) VCF-style: chr1-865662-G-A.
Other names: c.737G>A, p.Arg246Gln (NM_001385640.1); c.200G>A, p.Arg67Gln (NM_152486.4); c.200G>A (NM_152486.2); short protein forms R246Q, R67Q.
Identifiers: ClinVar variation 1140293 (VCV001140293.11), dbSNP rs140751899, ClinGen allele CA502447.